The following is an entry in ClinVar:

ClinVar aggregate classification (germline): Benign/Likely benign. Review status: criteria provided, multiple submitters, no conflicts (2 of 4 stars). 6 submissions from 6 submitters: Benign (3); Likely benign (3). Last evaluated 2026-01-12.

Conditions:
Myofibrillar myopathy 3 (MFM3). Also called: Muscular dystrophy, proximal, type 1A; Autosomal dominant spheroid body myopathy. Identifiers: Orphanet 266, Orphanet 268129, MedGen C3714934, MONDO:0012215, OMIM 609200.

Allele frequency attached by ClinVar (database versions not stated): ESP Exome Variant Server 0.00008; gnomAD exomes 0.00029 and 0.00132; gnomAD 0.00055 and 0.00075; TOPMed 0.00063; ExAC 0.00115; 1000 Genomes Project 30x 0.00531; 1000 Genomes Project 0.00559.

Submissions (6):

Labcorp Genetics (formerly Invitae), Labcorp
Classification: Benign for Myofibrillar myopathy 3. Last evaluated: 2026-01-12. Review status: criteria provided, single submitter. Criteria: Invitae Variant Classification Sherloc (09022015). Collection method: clinical testing. Allele origin: germline.

Blueprint Genetics
Classification: Likely benign. Last evaluated: 2024-11-25. Review status: criteria provided, single submitter. Criteria: ACMG Guidelines, 2015. Collection method: clinical testing. Allele origin: germline.

Women's Health and Genetics/Laboratory Corporation of America, LabCorp
Classification: Benign. Last evaluated: 2023-08-19. Review status: criteria provided, single submitter. Criteria: LabCorp Variant Classification Summary - May 2015. Collection method: clinical testing. Allele origin: germline.

Fulgent Genetics
Classification: Likely benign for Myofibrillar myopathy 3. Last evaluated: 2021-09-29. Review status: criteria provided, single submitter. Criteria: ACMG Guidelines, 2015. Collection method: clinical testing. Allele origin: unknown.

Illumina Laboratory Services, Illumina
Classification: Benign for Myofibrillar myopathy 3. Last evaluated: 2018-01-13. Review status: criteria provided, single submitter. Criteria: ICSL Variant Classification Criteria 13 December 2019. Collection method: clinical testing. Allele origin: germline.
Comment: This variant was observed in the ICSL laboratory as part of a predisposition screen in an ostensibly healthy population. It had not been previously curated by ICSL or reported in the Human Gene Mutation Database (HGMD: prior to June 1st, 2018), and was therefore a candidate for classification through an automated scoring system. Utilizing variant allele frequency, disease prevalence and penetrance estimates, and inheritance mode, an automated score was calculated to assess if this variant is too frequent to cause the disease. Based on the score and internal cut-off values, a variant classified as benign is not then subjected to further curation. The score for this variant resulted in a classification of benign for this disease.

GeneDx
Classification: Likely benign. Last evaluated: 2017-12-27. Review status: criteria provided, single submitter. Criteria: GeneDx Variant Classification (06012015). Collection method: clinical testing. Allele origin: germline. Affected: yes.
Comment: This variant is considered likely benign or benign based on one or more of the following criteria: it is a conservative change, it occurs at a poorly conserved position in the protein, it is predicted to be benign by multiple in silico algorithms, and/or has population frequency not consistent with disease.

NM_006790.3(MYOT):c.1190+12A>G

Genes: MYOT (myotilin; plus strand), PKD2L2-DT (PKD2L2 divergent transcript; minus strand). Cytogenetic location: 5q31.2.
Variant type: single nucleotide variant.
Coding change: c.1190+12A>G on transcript NM_006790.3 (MANE Select); 12 bases into the intron after coding-DNA position 1190, A replaced by G.
Molecular consequence: intron variant.
Genome position (GRCh38, 1-based): chr5:137,886,225, A>G. VCF-style: chr5-137886225-A-G. GRCh37 (hg19) VCF-style: chr5-137221914-A-G.
Other names: c.845+12A>G (NM_001300911.2); c.638+12A>G (NM_001135940.2).
Identifiers: ClinVar variation 351027 (VCV000351027.16), dbSNP rs183456886, ClinGen allele CA3423120.